The following is an entry in ClinVar:

ClinVar aggregate classification (germline): Uncertain significance (1 of 4 stars; one submission).

Allele frequency attached by ClinVar (database versions not stated): gnomAD exomes below 0.00001.
gnomAD v4.1: 2 of 1,614,150 alleles (0.00012%); highest among the groups gnomAD compares: Non-Finnish European, 0.00017%; no homozygotes.

Submission:

Labcorp Genetics (formerly Invitae), Labcorp
Classification: Uncertain significance. Last evaluated: 2022-08-12. Review status: criteria provided, single submitter. Criteria: Invitae Variant Classification Sherloc (09022015). Collection method: clinical testing. Allele origin: germline.
Comment: In summary, the available evidence is currently insufficient to determine the role of this variant in disease. Therefore, it has been classified as a Variant of Uncertain Significance. Algorithms developed to predict the effect of missense changes on protein structure and function are either unavailable or do not agree on the potential impact of this missense change (SIFT: "Deleterious"; PolyPhen-2: "Probably Damaging"; Align-GVGD: "Class C0"). This variant has not been reported in the literature in individuals affected with ARID1B-related conditions. This variant is present in population databases (no rsID available, gnomAD 0.0009%). This sequence change replaces glycine, which is neutral and non-polar, with glutamic acid, which is acidic and polar, at codon 2071 of the ARID1B protein (p.Gly2071Glu).

NM_001374828.1(ARID1B):c.6581G>A (p.Gly2194Glu)

Gene: ARID1B (AT-rich interaction domain 1B; plus strand). Cytogenetic location: 6q25.3.
Variant type: single nucleotide variant.
Coding change: c.6581G>A on transcript NM_001374828.1 (MANE Select); coding-DNA position 6581, G replaced by A.
Protein change: p.Gly2194Glu; replaces glycine 2194 with glutamic acid.
Molecular consequence: missense variant.
Genome position (GRCh38, 1-based): chr6:157,207,353, G>A. VCF-style: chr6-157207353-G-A. GRCh37 (hg19) VCF-style: chr6-157528487-G-A.
Other names: c.6332G>A, p.Gly2111Glu (NM_001346813.1); c.4082G>A, p.Gly1361Glu (NM_001363725.2); c.6461G>A, p.Gly2154Glu (NM_001371656.1, NM_001374820.1); c.6422G>A, p.Gly2141Glu (NM_017519.3); c.6212G>A, p.Gly2071Glu (NM_020732.3); c.5999G>A, p.Gly2000Glu (NM_175863.2); short protein forms G2000E, G2154E, G1361E, G2071E, G2111E, G2141E, G2194E.
Identifiers: ClinVar variation 2011876 (VCV002011876.4), dbSNP rs1219011601, ClinGen allele CA366248599.